The following is an entry in ClinVar:

NM_000551.4(VHL):c.611_614dup (p.Ile206fs)

Genes: VHL (von Hippel-Lindau tumor suppressor; plus strand), LOC107303340 (3p25 von Hippel-Lindau tumor suppressor, E3 ubiquitin protein ligase Alu-mediated recombination region; plus strand). Cytogenetic location: 3p25.3.
Variant type: Duplication.
Coding change: c.611_614dup on transcript NM_000551.4 (MANE Select); coding-DNA positions 611 to 614, 4 bases duplicated (AGCG; older notation c.611_614dupAGCG).
Protein change: p.Ile206fs; shifts the reading frame from isoleucine 206.
Molecular consequence: frameshift variant. On other transcripts: 3 prime UTR variant (1), non-coding transcript variant (1).
Genome position (GRCh38, 1-based): chr3:10,149,934-10,149,937, AGCG duplicated; duplicating any 4 consecutive bases within chr3:10,149,933-10,149,937 gives the same sequence; the c. name uses the placement nearest the transcript's 3' end. VCF-style (leftmost placement, unchanged base first): chr3-10149932-G-GGAGC. GRCh37 (hg19) VCF-style: chr3-10191616-G-GGAGC.
Other names: c.611_614dupAGCG (NM_000551.3); c.*165_*168dup (NM_001354723.2); c.488_491dup, p.Ile165fs (NM_198156.3); short protein forms I206fs, I165fs.
Identifiers: ClinVar variation 4824773 (VCV004824773.1).

ClinVar aggregate classification (germline): Uncertain significance (1 of 4 stars; one submission).

Conditions:
Hereditary cancer-predisposing syndrome. Also called: Neoplastic Syndromes, Hereditary; Hereditary neoplastic syndrome; Tumor predisposition; Hereditary Cancer Syndrome. Identifiers: Orphanet 140162, MedGen C0027672, MeSH D009386, MONDO:0015356.

Submission:

Ambry Genetics
Classification: Uncertain significance for Hereditary cancer-predisposing syndrome. Last evaluated: 2026-03-02. Review status: criteria provided, single submitter. Criteria: Ambry Variant Classification Scheme 2023. Collection method: clinical testing. Allele origin: germline.
Comment: The c.611_614dupAGCG variant, located in coding exon 3 of the VHL gene, results from a duplication of AGCG at nucleotide position 611, causing a translational frameshift with a predicted alternate stop codon (p.I206Afs*51). This variant occurs at the 3' terminus of the gene, is not expected to trigger nonsense-mediated mRNAdecay and results in the elongation of the protein by 42 amino acids. This frameshift impacts the last 3.7%amino acids of the native protein. The exact functional effect of the altered amino acids is unknown. Based on the available evidence, the clinical significance of this variant remains unclear.